The following is an entry in ClinVar:

ClinVar aggregate classification (germline): Likely pathogenic. Review status: criteria provided, multiple submitters, no conflicts (2 of 4 stars). 2 submissions from 2 submitters: Likely pathogenic (2). Last evaluated 2024-12-18.

Submissions (2):

GeneDx
Classification: Likely pathogenic. Last evaluated: 2024-12-18. Review status: criteria provided, single submitter. Criteria: GeneDx Variant Classification Process June 2021. Collection method: clinical testing. Allele origin: germline. Affected: yes.
Comment: Not observed at significant frequency in large population cohorts (gnomAD); In silico analysis supports that this missense variant has a deleterious effect on protein structure/function; Has not been previously published as pathogenic or benign to our knowledge

Hadassah Hebrew University Medical Center
Classification: Likely pathogenic. Review status: criteria provided, single submitter. Criteria: ACMG Guidelines, 2015. Collection method: clinical testing. Allele origin: germline. Inheritance: Autosomal dominant inheritance. Affected: yes.

NM_003031.4(SIAH1):c.455A>G (p.His152Arg)

Genes: LONP2 (lon peptidase 2, peroxisomal; plus strand), SIAH1 (siah E3 ubiquitin protein ligase 1; minus strand). Cytogenetic location: 16q12.1.
Variant type: single nucleotide variant.
Coding change: c.455A>G on transcript NM_003031.4 (MANE Select); coding-DNA position 455, A replaced by G.
Protein change: p.His152Arg; replaces histidine 152 with arginine.
Molecular consequence: missense variant. On other transcripts: 3 prime UTR variant (1).
Genome position (GRCh38, 1-based): chr16:48,361,974, T>C on the plus strand (A>G on the coding strand, the complement: SIAH1 is on the minus strand). VCF-style: chr16-48361974-T-C. GRCh37 (hg19) VCF-style: chr16-48395885-T-C.
Other names: c.548A>G, p.His183Arg (NM_001006610.2); c.*378T>C (NM_001348078.2); short protein forms H152R, H183R.
Identifiers: ClinVar variation 1711958 (VCV001711958.3), dbSNP rs2544513949, ClinGen allele CA396105791.